The following is an entry in ClinVar:

ClinVar aggregate classification (germline): Uncertain significance (0 of 4 stars; one submission).

Conditions:
ALS2-related disorder. Also called: ALS2-Related Spectrum Disorders; ALS2-related disorders; ALS2-related condition. Identifiers: MedGen CN169291.

gnomAD v4.1: 35 of 1,613,968 alleles (0.0022%); highest among the groups gnomAD compares: South Asian, 0.0044%; no homozygotes.

Submission:

PreventionGenetics, part of Exact Sciences
Classification: Uncertain significance for ALS2-related condition. Last evaluated: 2024-05-14. Review status: no assertion criteria provided. Collection method: clinical testing. Allele origin: germline.
Comment: The ALS2 c.4886A>G variant is predicted to result in the amino acid substitution p.Asp1629Gly. To our knowledge, this variant has not been reported in the literature. This variant is reported in 0.0065% of alleles in individuals of South Asian descent in gnomAD. At this time, the clinical significance of this variant is uncertain due to the absence of conclusive functional and genetic evidence.

NM_020919.4(ALS2):c.4886A>G (p.Asp1629Gly)

Gene: ALS2 (alsin Rho guanine nucleotide exchange factor ALS2; minus strand). Cytogenetic location: 2q33.1.
Variant type: single nucleotide variant.
Coding change: c.4886A>G on transcript NM_020919.4 (MANE Select); coding-DNA position 4886, A replaced by G.
Protein change: p.Asp1629Gly; replaces aspartic acid 1629 with glycine.
Molecular consequence: missense variant.
Genome position (GRCh38, 1-based): chr2:201,704,171, T>C on the plus strand (A>G on the coding strand, the complement: ALS2 is on the minus strand). VCF-style: chr2-201704171-T-C. GRCh37 (hg19) VCF-style: chr2-202568894-T-C.
Other names: c.4883A>G, p.Asp1628Gly (NM_001410975.1); short protein forms D1628G, D1629G.
Identifiers: ClinVar variation 3354489 (VCV003354489.1).
Genomic context (GRCh38, chr2:201,704,171, plus strand): 5'-ACTATACTCACCTTCAAGGTGGTGAACATTATACCCTGTTCCCCATGCTGAAGATAGGGG[T>C]CCATTAGATCCTCAATGAGGTGTACCTCAGAGCCTAAATTCCTAATCCTGCCCCAGAGAG-3'
Protein context (NP_065970.2, residues 1619-1639): SEVHLIEDLM[Asp1629Gly]PYLQHGEQGI